The following is an entry in ClinVar:

NM_000744.7(CHRNA4):c.1667C>G (p.Pro556Arg)

Gene: CHRNA4 (cholinergic receptor nicotinic alpha 4 subunit; minus strand). Cytogenetic location: 20q13.33.
Variant type: single nucleotide variant.
Coding change: c.1667C>G on transcript NM_000744.7 (MANE Select); coding-DNA position 1667, C replaced by G.
Protein change: p.Pro556Arg; replaces proline 556 with arginine.
Molecular consequence: missense variant. On other transcripts: non-coding transcript variant (1).
Genome position (GRCh38, 1-based): chr20:63,349,744, G>C on the plus strand (C>G on the coding strand, the complement: CHRNA4 is on the minus strand). VCF-style: chr20-63349744-G-C. GRCh37 (hg19) VCF-style: chr20-61981096-G-C.
Other names: c.1139C>G, p.Pro380Arg (NM_001256573.2); short protein forms P556R, P380R.
Identifiers: ClinVar variation 452325 (VCV000452325.17), dbSNP rs77345643, ClinGen allele CA9957556.

ClinVar aggregate classification (germline): Conflicting classifications of pathogenicity. Review status: criteria provided, conflicting classifications (1 of 4 stars). 5 submissions from 4 submitters: Uncertain significance (4); Likely benign (1). Last evaluated 2025-06-29.

Conditions:
Familial sleep-related hypermotor epilepsy. Also called: Autosomal Dominant Sleep-Related Hypermotor (Hyperkinetic) Epilepsy. Identifiers: Orphanet 98784, MedGen C3696898, MONDO:0000030.
Autosomal dominant nocturnal frontal lobe epilepsy 1. Also called: EPILEPSY, NOCTURNAL FRONTAL LOBE, TYPE 1; CHRNA4-Related Nocturnal Frontal Lobe Epilepsy, Autosomal Dominant. Identifiers: Orphanet 98784, MedGen C1838049, MONDO:0010899, OMIM 600513.
Tobacco addiction, susceptibility to. Also called: CIGARETTE HABITUATION, SUSCEPTIBILITY TO. Identifiers: MedGen C1861063, MONDO:0100460, OMIM 188890.

Allele frequency attached by ClinVar (database versions not stated): TOPMed below 0.00001.
gnomAD v4.1: 18 of 1,612,330 alleles (0.0011%); highest among the groups gnomAD compares: East Asian, 0.0067%; no homozygotes.

Submissions (5):

Labcorp Genetics (formerly Invitae), Labcorp
Classification: Likely benign. Last evaluated: 2025-06-29. Review status: criteria provided, single submitter. Criteria: Invitae Variant Classification Sherloc (09022015). Collection method: clinical testing. Allele origin: germline.

GeneDx
Classification: Uncertain significance. Last evaluated: 2019-06-04. Review status: criteria provided, single submitter. Criteria: GeneDx Variant Classification Process June 2021. Collection method: clinical testing. Allele origin: germline. Affected: yes.
Comment: Not observed at a significant frequency in large population cohorts (Lek et al., 2016); In silico analysis, which includes protein predictors and evolutionary conservation, supports that this variant does not alter protein structure/function; Has not been previously published as pathogenic or benign to our knowledge

Fulgent Genetics
Classification: Uncertain significance for Tobacco addiction, susceptibility to; Autosomal dominant nocturnal frontal lobe epilepsy 1. Last evaluated: 2018-10-31. Review status: criteria provided, single submitter. Criteria: ACMG Guidelines, 2015. Collection method: clinical testing. Allele origin: unknown.

Center for Genomics, Ann and Robert H. Lurie Children's Hospital of Chicago
Classification: Uncertain significance for Autosomal dominant nocturnal frontal lobe epilepsy 1. Last evaluated: 2018-07-31. Review status: criteria provided, single submitter. Criteria: ACMG Guidelines, 2015. Collection method: clinical testing. Allele origin: germline.
Comment: CHRNA4 NM_000744.6 exon 5 p.Pro556Arg (c.1667C>G): This variant has not been reported in the literature but is present in 1/17128 East Asian alleles in the Genome Aggregation Database. This variant is present in ClinVar (Variation ID:452325). This variant amino acid Arginine (Arg) is present in >30 species and is not well conserved among evolutionarily distant species; this suggests that this variant may not impact the protein. Additional computational prediction tools do not suggest an impact. In summary, data on this variant is insufficient for disease classification. Therefore, the clinical significance of this variant is uncertain.

Center for Genomics, Ann and Robert H. Lurie Children's Hospital of Chicago
Classification: Uncertain significance for Tobacco addiction, susceptibility to; Autosomal dominant nocturnal frontal lobe epilepsy 1. Review status: criteria provided, single submitter. Criteria: ACMG Guidelines, 2015. Collection method: clinical testing. Allele origin: germline.
Comment: CHRNA4 NM_000744.6 exon 5 p.Pro556Arg (c.1667C>G): This variant has not been reported in the literature but is present in 1/17128 East Asian alleles in the Genome Aggregation Database. This variant is present in ClinVar (Variation ID:452325). This variant amino acid Arginine (Arg) is present in >30 species and is not well conserved among evolutionarily distant species; this suggests that this variant may not impact the protein. Additional computational prediction tools do not suggest an impact. In summary, data on this variant is insufficient for disease classification. Therefore, the clinical significance of this variant is uncertain